The following is an entry in ClinVar:

ClinVar aggregate classification (germline): Uncertain significance (1 of 4 stars; one submission).

Submission:

Labcorp Genetics (formerly Invitae), Labcorp
Classification: Uncertain significance. Last evaluated: 2026-01-14. Review status: criteria provided, single submitter. Criteria: Invitae Variant Classification Sherloc (09022015). Collection method: clinical testing. Allele origin: germline.
Comment: This variant, c.846_847delinsCA, is a complex sequence change that results in the deletion of 2 and insertion of 2 amino acid(s) in the PPA2 protein (p.Lys282_Cys283delinsAsnSer). Information on the frequency of this variant in the gnomAD database is not available, as this variant may be reported differently in the database. This variant has not been reported in the literature in individuals affected with PPA2-related conditions. Experimental studies and prediction algorithms are not available or were not evaluated, and the functional significance of this variant is currently unknown. In summary, the available evidence is currently insufficient to determine the role of this variant in disease. Therefore, it has been classified as a Variant of Uncertain Significance.

NM_176869.3(PPA2):c.846_847delinsCA (p.Lys282_Cys283delinsAsnSer)

Gene: PPA2 (inorganic pyrophosphatase 2; minus strand). Cytogenetic location: 4q24.
Variant type: Indel.
Coding change: c.846_847delinsCA on transcript NM_176869.3 (MANE Select); coding-DNA positions 846 to 847, GT replaced by CA.
Protein change: p.Lys282_Cys283delinsAsnSer.
Molecular consequence: missense variant.
Genome position (GRCh38, 1-based): chr4:105,396,271-105,396,272, AC replaced by TG on the plus strand (GT replaced by CA on the coding strand, the reverse complement: PPA2 is on the minus strand). VCF-style: chr4-105396271-AC-TG. GRCh37 (hg19) VCF-style: chr4-106317428-AC-TG.
Other names: c.759_760delinsCA, p.Lys253_Cys254delinsAsnSer (NM_006903.4); c.540_541delinsCA, p.Lys180_Cys181delinsAsnSer (NM_176866.2); c.348_349delinsCA, p.Lys116_Cys117delinsAsnSer (NM_176867.3).
Identifiers: ClinVar variation 4768159 (VCV004768159.1).